The following is an entry in ClinVar:

NM_006514.4(SCN10A):c.3386A>C (p.Asp1129Ala)

Genes: SCN10A (sodium voltage-gated channel alpha subunit 10; minus strand), LOC110121288 (VISTA enhancer hs2268; plus strand). Cytogenetic location: 3p22.2.
Variant type: single nucleotide variant.
Coding change: c.3386A>C on transcript NM_006514.4 (MANE Select); coding-DNA position 3386, A replaced by C.
Protein change: p.Asp1129Ala; replaces aspartic acid 1129 with alanine.
Molecular consequence: missense variant.
Genome position (GRCh38, 1-based): chr3:38,722,379, T>G on the plus strand (A>C on the coding strand, the complement: SCN10A is on the minus strand). VCF-style: chr3-38722379-T-G. GRCh37 (hg19) VCF-style: chr3-38763870-T-G.
Other names: c.3383A>C, p.Asp1128Ala (NM_001293306.2); c.3092A>C, p.Asp1031Ala (NM_001293307.2); short protein forms D1129A, D1128A, D1031A.
Identifiers: ClinVar variation 1501624 (VCV001501624.8), dbSNP rs1274496159, ClinGen allele CA352155689.

ClinVar aggregate classification (germline): Uncertain significance (1 of 4 stars; one submission).

Conditions:
Brugada syndrome. Also called: Sudden unexpected nocturnal death syndrome; Sudden unexplained nocturnal death syndrome; Sudden Unexplained Death Syndrome; Sudden Unexplained Nocturnal Death Syndrome (SUNDS). Identifiers: Orphanet 130, MedGen C1142166, MONDO:0015263.

Submission:

Labcorp Genetics (formerly Invitae), Labcorp
Classification: Uncertain significance for Brugada syndrome. Last evaluated: 2021-06-29. Review status: criteria provided, single submitter. Criteria: Invitae Variant Classification Sherloc (09022015). Collection method: clinical testing. Allele origin: germline.
Comment: Advanced modeling of protein sequence and biophysical properties (such as structural, functional, and spatial information, amino acid conservation, physicochemical variation, residue mobility, and thermodynamic stability) performed at Invitae indicates that this missense variant is not expected to disrupt SCN10A protein function. This variant has not been reported in the literature in individuals affected with SCN10A-related conditions. This variant is not present in population databases (ExAC no frequency). This sequence change replaces aspartic acid with alanine at codon 1129 of the SCN10A protein (p.Asp1129Ala). The aspartic acid residue is moderately conserved and there is a moderate physicochemical difference between aspartic acid and alanine. In summary, the available evidence is currently insufficient to determine the role of this variant in disease. Therefore, it has been classified as a Variant of Uncertain Significance.